The following is an entry in ClinVar:

NM_173558.4(FGD2):c.933C>T (p.Asp311=)

Gene: FGD2 (FYVE, RhoGEF and PH domain containing 2; plus strand). Cytogenetic location: 6p21.2.
Variant type: single nucleotide variant.
Coding change: c.933C>T on transcript NM_173558.4 (MANE Select); coding-DNA position 933, C replaced by T.
Protein change: p.Asp311=; no amino-acid change (aspartic acid 311 retained).
Molecular consequence: synonymous variant.
Genome position (GRCh38, 1-based): chr6:37,014,942, C>T. VCF-style: chr6-37014942-C-T. GRCh37 (hg19) VCF-style: chr6-36982718-C-T.
Identifiers: ClinVar variation 2656522 (VCV002656522.24), dbSNP rs370356907, ClinGen allele CA3783088.

ClinVar aggregate classification (germline): Likely benign (1 of 4 stars; one submission).

Allele frequency attached by ClinVar (database versions not stated): ExAC 0.00001; gnomAD exomes 0.00002; gnomAD 0.00003; TOPMed 0.00003; ESP Exome Variant Server 0.00008.
gnomAD v4.1: 35 of 1,614,012 alleles (0.0022%); highest among the groups gnomAD compares: East Asian, 0.033%; no homozygotes.

Submission:

CeGaT Center for Human Genetics Tuebingen
Classification: Likely benign. Last evaluated: 2022-07-01. Review status: criteria provided, single submitter. Criteria: CeGaT Center For Human Genetics Tuebingen Variant Classification Criteria Version 2. Collection method: clinical testing. Allele origin: germline. Affected: yes. Observed: 1 variant allele.
Comment: FGD2: BP4, BP7